The following is an entry in ClinVar:

ClinVar aggregate classification (germline): Likely benign (1 of 4 stars; one submission).

Conditions:
Osteopetrosis. Identifiers: Orphanet 2781, MedGen C0029454, MONDO:0017198, HP:0011002.

Allele frequency attached by ClinVar (database versions not stated): gnomAD 0.00076 and 0.00080; 1000 Genomes Project 0.00080; TOPMed 0.00083; 1000 Genomes Project 30x 0.00094.

Submission:

Illumina Laboratory Services, Illumina
Classification: Likely benign for Osteopetrosis. Last evaluated: 2018-01-13. Review status: criteria provided, single submitter. Criteria: ICSL Variant Classification Criteria 13 December 2019. Collection method: clinical testing. Allele origin: germline.
Comment: This variant was observed in the ICSL laboratory as part of a predisposition screen in an ostensibly healthy population. It had not been previously curated by ICSL or reported in the Human Gene Mutation Database (HGMD: prior to June 1st, 2018), and was therefore a candidate for classification through an automated scoring system. Utilizing variant allele frequency, disease prevalence and penetrance estimates, and inheritance mode, an automated score was calculated to assess if this variant is too frequent to cause the disease. Based on the score and internal cut-off values, a variant classified as likely benign is not then subjected to further curation. The score for this variant resulted in a classification of likely benign for this disease.

NM_001287.6(CLCN7):c.*1452G>A

Gene: CLCN7 (chloride voltage-gated channel 7; minus strand). Cytogenetic location: 16p13.3.
Variant type: single nucleotide variant.
Coding change: c.*1452G>A on transcript NM_001287.6 (MANE Select); 1452 bases downstream of the stop codon, G replaced by A.
Molecular consequence: 3 prime UTR variant.
Genome position (GRCh38, 1-based): chr16:1,445,179, C>T on the plus strand (G>A on the coding strand, the complement: CLCN7 is on the minus strand). VCF-style: chr16-1445179-C-T. GRCh37 (hg19) VCF-style: chr16-1495180-C-T.
Other names: c.*1452G>A (NM_001114331.3).
Identifiers: ClinVar variation 317909 (VCV000317909.5), dbSNP rs578092313, ClinGen allele CA10647817.